The following is an entry in ClinVar:

NM_000455.5(STK11):c.464+14_464+15delinsTT

Gene: STK11 (serine/threonine kinase 11; plus strand). Cytogenetic location: 19p13.3.
Variant type: Indel.
Coding change: c.464+14_464+15delinsTT on transcript NM_000455.5 (MANE Select); bases 14 to 15 of the intron after coding-DNA position 464, GC replaced by TT.
Molecular consequence: intron variant.
Genome position (GRCh38, 1-based): chr19:1,219,427-1,219,428, GC replaced by TT. VCF-style: chr19-1219427-GC-TT. GRCh37 (hg19) VCF-style: chr19-1219426-GC-TT.
Other names: c.464+14_464+15delGCinsTT (NM_000455.4).
Identifiers: ClinVar variation 422073 (VCV000422073.2), dbSNP rs1064795537, ClinGen allele CA16620747.

ClinVar aggregate classification (germline): Uncertain significance (1 of 4 stars; one submission).

Submission:

GeneDx
Classification: Uncertain significance. Last evaluated: 2016-08-22. Review status: criteria provided, single submitter. Criteria: GeneDx Variant Classification (06012015). Collection method: clinical testing. Allele origin: germline. Affected: yes.
Comment: This variant is denoted STK11 c.464+14_464+15delGCinsTT or IVS3+14_IVS3+15delGCinsTT and consists of a two-nucleotide deletion and insertion on the same allele (in cis) at the +14 and +15 positions of intron 3 of the STK11 gene. The normal sequence, with the bases that are deleted in braces and inserted in brackets, is cggg[gc][tt]aggg. This variant has not, to our knowledge, been published in the literature as pathogenic or benign. While multiple splicing models predict STK11 c.464+14_464+15delGCinsTT may lead to the creation of a cryptic splice donor site, in the absence of RNA or functional studies the actual effect of this variant is unknown. This variant was not observed in approximately 6,300 individuals of European and African American ancestry in the NHLBI Exome Sequencing Project, suggesting it is not a common benign variant in these populations. The guanine (G) and cytosine (C) nucleotides that are altered are not conserved. Based on currently available information, it is unclear whether STK11 c.464+14_464+15delGCinsTT is pathogenic or benign. We consider it to be a variant of uncertain significance.